The following is an entry in ClinVar:

ClinVar aggregate classification (germline): Uncertain significance (1 of 4 stars; one submission).

gnomAD v4.1: 3 of 1,561,712 alleles (0.00019%); highest among the groups gnomAD compares: African/African-American, 0.0014%; no homozygotes.

Submission:

Women's Health and Genetics/Laboratory Corporation of America, LabCorp
Classification: Uncertain significance. Last evaluated: 2024-10-31. Review status: criteria provided, single submitter. Criteria: LabCorp Variant Classification Summary - May 2015. Collection method: clinical testing. Allele origin: germline.
Comment: Variant summary: TMEM222 c.95C>T (p.Thr32Met) results in a non-conservative amino acid change in the encoded protein sequence. Four of five in-silico tools predict a benign effect of the variant on protein function. The frequency data for this variant in gnomAD is considered unreliable, as metrics indicate poor data quality at this position. To our knowledge, no occurrence of c.95C>T in individuals affected with Neurodevelopmental Disorder With Motor And Speech Delay And Behavioral Abnormalities and no experimental evidence demonstrating its impact on protein function have been reported. No submitters have cited clinical-significance assessments for this variant to ClinVar. Based on the evidence outlined above, the variant was classified as uncertain significance.

NM_032125.3(TMEM222):c.95C>T (p.Thr32Met)

Gene: TMEM222 (transmembrane protein 222; plus strand). Cytogenetic location: 1p36.11.
Variant type: single nucleotide variant.
Coding change: c.95C>T on transcript NM_032125.3 (MANE Select); coding-DNA position 95, C replaced by T.
Protein change: p.Thr32Met; replaces threonine 32 with methionine.
Molecular consequence: missense variant. On other transcripts: non-coding transcript variant (3).
Genome position (GRCh38, 1-based): chr1:27,322,292, C>T. VCF-style: chr1-27322292-C-T. GRCh37 (hg19) VCF-style: chr1-27648783-C-T.
Other names: short protein forms T32M.
Identifiers: ClinVar variation 3385095 (VCV003385095.1).